The following is an entry in ClinVar:

ClinVar aggregate classification (germline): Uncertain significance (1 of 4 stars; one submission).

Conditions:
Spastic paraplegia. Identifiers: MedGen C0037772, HP:0001258.

Submission:

Labcorp Genetics (formerly Invitae), Labcorp
Classification: Uncertain significance for Spastic paraplegia. Last evaluated: 2022-11-04. Review status: criteria provided, single submitter. Criteria: Invitae Variant Classification Sherloc (09022015). Collection method: clinical testing. Allele origin: germline.
Comment: In summary, the available evidence is currently insufficient to determine the role of this variant in disease. Therefore, it has been classified as a Variant of Uncertain Significance. Advanced modeling of protein sequence and biophysical properties (such as structural, functional, and spatial information, amino acid conservation, physicochemical variation, residue mobility, and thermodynamic stability) performed at Invitae indicates that this missense variant is not expected to disrupt KIF5A protein function. This variant has not been reported in the literature in individuals affected with KIF5A-related conditions. This variant is not present in population databases (gnomAD no frequency). This sequence change replaces glycine, which is neutral and non-polar, with serine, which is neutral and polar, at codon 877 of the KIF5A protein (p.Gly877Ser).

NM_004984.4(KIF5A):c.2629G>A (p.Gly877Ser)

Gene: KIF5A (kinesin family member 5A; plus strand). Cytogenetic location: 12q13.3.
Variant type: single nucleotide variant.
Coding change: c.2629G>A on transcript NM_004984.4 (MANE Select); coding-DNA position 2629, G replaced by A.
Protein change: p.Gly877Ser; replaces glycine 877 with serine.
Molecular consequence: missense variant.
Genome position (GRCh38, 1-based): chr12:57,581,046, G>A. VCF-style: chr12-57581046-G-A. GRCh37 (hg19) VCF-style: chr12-57974829-G-A.
Other names: c.2362G>A, p.Gly788Ser (NM_001354705.2); short protein forms G788S, G877S.
Identifiers: ClinVar variation 2991924 (VCV002991924.3), dbSNP rs2540514684, ClinGen allele CA385515159.